The following is an entry in ClinVar:

NM_001080467.3(MYO5B):c.911A>T (p.Asp304Val)

Gene: MYO5B (myosin VB; minus strand). Cytogenetic location: 18q21.1.
Variant type: single nucleotide variant.
Coding change: c.911A>T on transcript NM_001080467.3 (MANE Select); coding-DNA position 911, A replaced by T.
Protein change: p.Asp304Val; replaces aspartic acid 304 with valine.
Molecular consequence: missense variant.
Genome position (GRCh38, 1-based): chr18:49,984,753, T>A on the plus strand (A>T on the coding strand, the complement: MYO5B is on the minus strand). VCF-style: chr18-49984753-T-A. GRCh37 (hg19) VCF-style: chr18-47511123-T-A.
Other names: short protein forms D304V.
Identifiers: ClinVar variation 1486662 (VCV001486662.8), dbSNP rs2144300176, ClinGen allele CA402436506.

ClinVar aggregate classification (germline): Uncertain significance (1 of 4 stars; one submission).

Submission:

Labcorp Genetics (formerly Invitae), Labcorp
Classification: Uncertain significance. Last evaluated: 2023-07-14. Review status: criteria provided, single submitter. Criteria: Invitae Variant Classification Sherloc (09022015). Collection method: clinical testing. Allele origin: germline.
Comment: This variant has not been reported in the literature in individuals affected with MYO5B-related conditions. ClinVar contains an entry for this variant (Variation ID: 1486662). This variant is not present in population databases (gnomAD no frequency). This sequence change replaces aspartic acid, which is acidic and polar, with valine, which is neutral and non-polar, at codon 304 of the MYO5B protein (p.Asp304Val). In summary, the available evidence is currently insufficient to determine the role of this variant in disease. Therefore, it has been classified as a Variant of Uncertain Significance. Advanced modeling of protein sequence and biophysical properties (such as structural, functional, and spatial information, amino acid conservation, physicochemical variation, residue mobility, and thermodynamic stability) performed at Invitae indicates that this missense variant is not expected to disrupt MYO5B protein function.